The following is an entry in ClinVar:

NM_000089.4(COL1A2):c.2210C>T (p.Ala737Val)

Gene: COL1A2 (collagen type I alpha 2 chain; plus strand). Cytogenetic location: 7q21.3.
Variant type: single nucleotide variant.
Coding change: c.2210C>T on transcript NM_000089.4 (MANE Select); coding-DNA position 2210, C replaced by T.
Protein change: p.Ala737Val; replaces alanine 737 with valine.
Molecular consequence: missense variant.
Genome position (GRCh38, 1-based): chr7:94,420,563, C>T. VCF-style: chr7-94420563-C-T. GRCh37 (hg19) VCF-style: chr7-94049875-C-T.
Other names: short protein forms A737V.
Identifiers: ClinVar variation 3495238 (VCV003495238.1).

ClinVar aggregate classification (germline): Uncertain significance (1 of 4 stars; one submission).

Conditions:
Cardiovascular phenotype. Identifiers: MedGen CN230736.

gnomAD v4.1: 1 of 1,613,780 alleles (0.000062%); highest among the groups gnomAD compares: Non-Finnish European, 0.000085%; no homozygotes.

Submission:

Ambry Genetics
Classification: Uncertain significance for Cardiovascular phenotype. Last evaluated: 2024-07-11. Review status: criteria provided, single submitter. Criteria: Ambry Variant Classification Scheme 2023. Collection method: clinical testing. Allele origin: germline.
Comment: The p.A737V variant (also known as c.2210C>T), located in coding exon 37 of the COL1A2 gene, results from a C to T substitution at nucleotide position 2210. The alanine at codon 737 is replaced by valine, an amino acid with similar properties. This amino acid position is well conserved in available vertebrate species. In addition, the in silico prediction for this alteration is inconclusive. Based on the available evidence, the clinical significance of this variant remains unclear.